The following is an entry in ClinVar:

ClinVar aggregate classification (germline): Uncertain significance (1 of 4 stars; one submission).

Conditions:
TMEM67-related disorder. Also called: TMEM67-related condition; TMEM67-related disorders. Identifiers: MedGen CN239423.

Submission:

PreventionGenetics, part of Exact Sciences
Classification: Uncertain significance for TMEM67-related condition. Last evaluated: 2024-12-17. Review status: criteria provided, single submitter. Criteria: ACMG Guidelines, 2015. Collection method: clinical testing. Allele origin: germline.
Comment: The TMEM67 c.1570A>T variant is predicted to result in the amino acid substitution p.Thr524Ser. To our knowledge, this variant has not been reported in the literature or in a large population database (gnomAD), indicating this variant is rare. At this time, the clinical significance of this variant is uncertain due to the absence of conclusive functional and genetic evidence.

NM_153704.6(TMEM67):c.1570A>T (p.Thr524Ser)

Gene: TMEM67 (transmembrane protein 67; plus strand). Cytogenetic location: 8q22.1.
Variant type: single nucleotide variant.
Coding change: c.1570A>T on transcript NM_153704.6 (MANE Select); coding-DNA position 1570, A replaced by T.
Protein change: p.Thr524Ser; replaces threonine 524 with serine.
Molecular consequence: missense variant. On other transcripts: non-coding transcript variant (1).
Genome position (GRCh38, 1-based): chr8:93,791,314, A>T. VCF-style: chr8-93791314-A-T. GRCh37 (hg19) VCF-style: chr8-94803542-A-T.
Other names: c.1327A>T, p.Thr443Ser (NM_001142301.1); short protein forms T443S, T524S.
Identifiers: ClinVar variation 4999640 (VCV004999640.1).